The following is an entry in ClinVar:

NM_005751.5(AKAP9):c.10061A>G (p.Glu3354Gly)

Gene: AKAP9 (A-kinase anchoring protein 9; plus strand). Cytogenetic location: 7q21.2.
Variant type: single nucleotide variant.
Coding change: c.10061A>G on transcript NM_005751.5 (MANE Select); coding-DNA position 10061, A replaced by G.
Protein change: p.Glu3354Gly; replaces glutamic acid 3354 with glycine.
Molecular consequence: missense variant.
Genome position (GRCh38, 1-based): chr7:92,097,020, A>G. VCF-style: chr7-92097020-A-G. GRCh37 (hg19) VCF-style: chr7-91726334-A-G.
Other names: c.4706A>G, p.Glu1569Gly (NM_001379277.1); c.10037A>G, p.Glu3346Gly (NM_147185.3); short protein forms E3346G, E1569G, E3354G.
Identifiers: ClinVar variation 1466488 (VCV001466488.10), dbSNP rs200596189, ClinGen allele CA4337891.
Genomic context (GRCh38, chr7:92,097,020, plus strand): 5'-AGTCTCGGCCACCCTTGCCCTCAGAGGACCTACTGAAAGAGCTGCAGAAACAGCTAGAGG[A>G]AAAACACAGTCGCATAGTAGAATTGTTAAATGAGACTGAAAAATATAAACTGGATTCTTT-3'
Protein context (NP_005742.4, residues 3344-3364): LLKELQKQLE[Glu3354Gly]KHSRIVELLN

ClinVar aggregate classification (germline): Uncertain significance. Review status: criteria provided, multiple submitters, no conflicts (2 of 4 stars). 4 submissions from 4 submitters: Uncertain significance (4). Last evaluated 2025-03-18.

Conditions:
Long QT syndrome (LQTS). Identifiers: MedGen C0023976, MeSH D008133, MONDO:0002442. Disease mechanism: loss of function. Inheritance: Various modes of inheritance.
Cardiovascular phenotype. Identifiers: MedGen CN230736.
Long QT syndrome 11 (LQT11). Identifiers: Orphanet 101016, Orphanet 768, MedGen C2678483, MONDO:0012738, OMIM 611820.

Allele frequency attached by ClinVar (database versions not stated): gnomAD exomes below 0.00001; ExAC 0.00001; gnomAD 0.00005; TOPMed 0.00009; 1000 Genomes Project 30x 0.00016; 1000 Genomes Project 0.00020.
gnomAD v4.1: 13 of 1,614,242 alleles (0.00081%); highest among the groups gnomAD compares: African/African-American, 0.016%; no homozygotes.

Submissions (4):

Labcorp Genetics (formerly Invitae), Labcorp
Classification: Uncertain significance for Long QT syndrome. Last evaluated: 2025-03-18. Review status: criteria provided, single submitter. Criteria: Invitae Variant Classification Sherloc (09022015). Collection method: clinical testing. Allele origin: germline.
Comment: This sequence change replaces glutamic acid, which is acidic and polar, with glycine, which is neutral and non-polar, at codon 3354 of the AKAP9 protein (p.Glu3354Gly). This variant is present in population databases (rs200596189, gnomAD 0.01%). This variant has not been reported in the literature in individuals affected with AKAP9-related conditions. ClinVar contains an entry for this variant (Variation ID: 1466488). An algorithm developed to predict the effect of missense changes on protein structure and function (PolyPhen-2) suggests that this variant is likely to be disruptive. In summary, the available evidence is currently insufficient to determine the role of this variant in disease. Therefore, it has been classified as a Variant of Uncertain Significance.

Women's Health and Genetics/Laboratory Corporation of America, LabCorp
Classification: Uncertain significance. Last evaluated: 2024-10-15. Review status: criteria provided, single submitter. Criteria: LabCorp Variant Classification Summary - May 2015. Collection method: clinical testing. Allele origin: germline.

Ambry Genetics
Classification: Uncertain significance for Cardiovascular phenotype. Last evaluated: 2023-11-18. Review status: criteria provided, single submitter. Criteria: Ambry Variant Classification Scheme 2023. Collection method: clinical testing. Allele origin: germline.
Comment: The p.E3354G variant (also known as c.10061A>G), located in coding exon 41 of the AKAP9 gene, results from an A to G substitution at nucleotide position 10061. The glutamic acid at codon 3354 is replaced by glycine, an amino acid with similar properties. This amino acid position is well conserved in available vertebrate species. In addition, this alteration is predicted to be tolerated by in silico analysis. Since supporting evidence is limited at this time, the clinical significance of this alteration remains unclear.

Fulgent Genetics
Classification: Uncertain significance for Long QT syndrome 11. Last evaluated: 2021-11-16. Review status: criteria provided, single submitter. Criteria: ACMG Guidelines, 2015. Collection method: clinical testing. Allele origin: unknown.